The following is an entry in ClinVar:

ClinVar aggregate classification (germline): Benign (1 of 4 stars; one submission).

Conditions:
Leigh syndrome (NULS). Also called: Leigh's necrotizing encephalopathy; Leigh's disease; Leigh's syndrome; LEIGH SYNDROME, NUCLEAR; Leigh Syndrome (mtDNA deletion); Leigh Disease. Identifiers: Orphanet 506, MedGen C2931891, MONDO:0009723, OMIM 256000.

Submission:

Wong Mito Lab, Molecular and Human Genetics, Baylor College of Medicine
Classification: Benign for Leigh syndrome. Last evaluated: 2019-10-17. Review status: criteria provided, single submitter. Criteria: Modified ACMG Guidelines (Unpublished). Collection method: clinical testing. Allele origin: germline.
Comment: The NC_012920.1:m.15341T>C (YP_003024038.1:p.Phe199Leu) variant in MTCYB gene is interpretated to be a Benign variant based on the modified ACMG guidelines (unpublished). This variant meets the following evidence codes: BS1, BS4

NC_012920.1(MT-CYB):m.15341T>C

Gene: MT-CYB (mitochondrially encoded cytochrome b; plus strand).
Variant type: single nucleotide variant.
Genome position: chrM-15341-T-C.
Identifiers: ClinVar variation 693870 (VCV000693870.1), dbSNP rs1603225233, ClinGen allele CA913173603.